The following is an entry in ClinVar:

NM_022168.4(IFIH1):c.2415C>G (p.Ile805Met)

Gene: IFIH1 (interferon induced with helicase C domain 1; minus strand). Cytogenetic location: 2q24.2.
Variant type: single nucleotide variant.
Coding change: c.2415C>G on transcript NM_022168.4 (MANE Select); coding-DNA position 2415, C replaced by G.
Protein change: p.Ile805Met; replaces isoleucine 805 with methionine.
Molecular consequence: missense variant.
Genome position (GRCh38, 1-based): chr2:162,273,834, G>C on the plus strand (C>G on the coding strand, the complement: IFIH1 is on the minus strand). VCF-style: chr2-162273834-G-C. GRCh37 (hg19) VCF-style: chr2-163130344-G-C.
Other names: short protein forms I805M.
Identifiers: ClinVar variation 1693291 (VCV001693291.3), dbSNP rs1010120295, ClinGen allele CA348995810.

ClinVar aggregate classification (germline): Uncertain significance (1 of 4 stars; one submission).

Conditions:
Aicardi-Goutieres syndrome 7 (AGS7). Identifiers: Orphanet 51, MedGen C3888244, MONDO:0014367, OMIM 615846.

Submission:

Illumina Laboratory Services, Illumina
Classification: Uncertain significance for Aicardi-Goutieres syndrome 7. Last evaluated: 2022-02-15. Review status: criteria provided, single submitter. Criteria: ICSLVariantClassificationCriteria RUGD 01 April 2020. Collection method: clinical testing. Allele origin: unknown.
Comment: The IFIH1 c.2415C>G (p.Ile805Met) missense variant results in the substitution of isoleucine at position 805 with methionine. To our knowledge, this variant has not been reported in the peer-reviewed literature. This variant is not found in version 2.1.1 or version 3.1.2 of the Genome Aggregation Database. The c.2415C>G variant lies within one of two conserved core helicase domains. Rice et al. (2020) reported several de novo missense changes nearby to Ile805 and noted that reported variants tend to cluster near the ATP binding site within the helicase domain. Based on the available evidence, the c.2415C>G (p.Ile805Met) variant is classified as a variant of uncertain significance for Aicardi-Goutieres syndrome.

Literature cited by the submitters: PubMed 31898846.